The following is an entry in ClinVar:

ClinVar aggregate classification (germline): Uncertain significance (1 of 4 stars; one submission).

Submission:

GeneDx
Classification: Uncertain significance. Last evaluated: 2026-02-04. Review status: criteria provided, single submitter. Criteria: GeneDx Variant Classification Process June 2021. Collection method: clinical testing. Allele origin: germline.
Comment: Not observed at significant frequency in large population cohorts (gnomAD); In silico analysis supports that this missense variant has a deleterious effect on protein structure/function; Has not been previously published as pathogenic or benign to our knowledge

NM_001009944.3(PKD1):c.9142C>G (p.Leu3048Val)

Gene: PKD1 (polycystin 1, transient receptor potential channel interacting; minus strand). Cytogenetic location: 16p13.3.
Variant type: single nucleotide variant.
Coding change: c.9142C>G on transcript NM_001009944.3 (MANE Select); coding-DNA position 9142, C replaced by G.
Protein change: p.Leu3048Val; replaces leucine 3048 with valine.
Molecular consequence: missense variant.
Genome position (GRCh38, 1-based): chr16:2,102,440, G>C on the plus strand (C>G on the coding strand, the complement: PKD1 is on the minus strand). VCF-style: chr16-2102440-G-C. GRCh37 (hg19) VCF-style: chr16-2152441-G-C.
Other names: c.9142C>G, p.Leu3048Val (NM_000296.4); short protein forms L3048V.
Identifiers: ClinVar variation 4975676 (VCV004975676.1).
Genomic context (GRCh38, chr16:2,102,440, plus strand): 5'-CAGGAAACACAAAGCGGACATGGCTTGGGGGCACGAAGAGGCTGGCGCCGAAGGCGGTGA[G>C]GTGGCGGGTGAGGCAGACGGCCTGGCGGGGCGAGGTCTCCTCCAGGGGCAGCAGCCCCTC-3'
Protein context (NP_001009944.3, residues 3038-3058): PRQAVCLTRH[Leu3048Val]TAFGASLFVP